The following is an entry in ClinVar:

ClinVar aggregate classification (germline): Uncertain significance (1 of 4 stars; one submission).

gnomAD v4.1: 6 of 1,613,768 alleles (0.00037%); highest among the groups gnomAD compares: African/African-American, 0.008%; no homozygotes.

Submission:

Labcorp Genetics (formerly Invitae), Labcorp
Classification: Uncertain significance. Last evaluated: 2025-12-10. Review status: criteria provided, single submitter. Criteria: Invitae Variant Classification Sherloc (09022015). Collection method: clinical testing. Allele origin: germline.
Comment: This sequence change affects codon 912 of the ANK1 mRNA. It is a 'silent' change, meaning that it does not change the encoded amino acid sequence of the ANK1 protein. It affects a nucleotide within the consensus splice site. This variant is present in population databases (rs767237260, gnomAD 0.01%). This variant has not been reported in the literature in individuals affected with ANK1-related conditions. Algorithms developed to predict the effect of sequence changes on RNA splicing suggest that this variant is not likely to affect RNA splicing. In summary, the available evidence is currently insufficient to determine the role of this variant in disease. Therefore, it has been classified as a Variant of Uncertain Significance.

NM_000037.4(ANK1):c.2736G>T (p.Gly912=)

Gene: ANK1 (ankyrin 1; minus strand). Cytogenetic location: 8p11.21.
Variant type: single nucleotide variant.
Coding change: c.2736G>T on transcript NM_000037.4 (MANE Select); coding-DNA position 2736, G replaced by T.
Protein change: p.Gly912=; no amino-acid change (glycine 912 retained).
Molecular consequence: synonymous variant.
Genome position (GRCh38, 1-based): chr8:41,696,587, C>A on the plus strand (G>T on the coding strand, the complement: ANK1 is on the minus strand). VCF-style: chr8-41696587-C-A. GRCh37 (hg19) VCF-style: chr8-41554105-C-A.
Other names: c.2859G>T, p.Gly953= (NM_001142446.2); c.2736G>T, p.Gly912= (NM_020475.3, NM_020476.3, NM_020477.3).
Identifiers: ClinVar variation 4696275 (VCV004696275.1).